The following is an entry in ClinVar:

NM_006231.4(POLE):c.3470C>T (p.Pro1157Leu)

Gene: POLE (DNA polymerase epsilon, catalytic subunit; minus strand). Cytogenetic location: 12q24.33.
Variant type: single nucleotide variant.
Coding change: c.3470C>T on transcript NM_006231.4 (MANE Select); coding-DNA position 3470, C replaced by T.
Protein change: p.Pro1157Leu; replaces proline 1157 with leucine.
Molecular consequence: missense variant.
Genome position (GRCh38, 1-based): chr12:132,657,248, G>A on the plus strand (C>T on the coding strand, the complement: POLE is on the minus strand). VCF-style: chr12-132657248-G-A. GRCh37 (hg19) VCF-style: chr12-133233834-G-A.
Other names: c.3470C>T (NM_006231.2); short protein forms P1157L.
Identifiers: ClinVar variation 1024284 (VCV001024284.7), dbSNP rs746586877, ClinGen allele CA6893203.

ClinVar aggregate classification (germline): Uncertain significance. Review status: criteria provided, multiple submitters, no conflicts (2 of 4 stars). 2 submissions from 2 submitters: Uncertain significance (2). Last evaluated 2025-07-18.

Conditions:
Hereditary cancer-predisposing syndrome. Also called: Hereditary Cancer Syndrome; Neoplastic Syndromes, Hereditary; Tumor predisposition; Hereditary neoplastic syndrome. Identifiers: Orphanet 140162, MedGen C0027672, MeSH D009386, MONDO:0015356.

Allele frequency attached by ClinVar (database versions not stated): gnomAD exomes below 0.00001 and 0.00001; TOPMed below 0.00001; ExAC 0.00001.
gnomAD v4.1: 1 of 1,614,018 alleles (0.000062%); highest among the groups gnomAD compares: Admixed American, 0.0017%; no homozygotes.

Submissions (2):

Ambry Genetics
Classification: Uncertain significance for Hereditary cancer-predisposing syndrome. Last evaluated: 2025-07-18. Review status: criteria provided, single submitter. Criteria: Ambry Variant Classification Scheme 2023. Collection method: clinical testing. Allele origin: germline.
Comment: The p.P1157L variant (also known as c.3470C>T), located in coding exon 29 of the POLE gene, results from a C to T substitution at nucleotide position 3470. The proline at codon 1157 is replaced by leucine, an amino acid with similar properties. This amino acid position is highly conserved in available vertebrate species. In addition, the in silico prediction for this alteration is inconclusive. Based on the available evidence, the clinical significance of this variant remains unclear.

Labcorp Genetics (formerly Invitae), Labcorp
Classification: Uncertain significance. Last evaluated: 2025-02-18. Review status: criteria provided, single submitter. Criteria: Invitae Variant Classification Sherloc (09022015). Collection method: clinical testing. Allele origin: germline.
Comment: This sequence change replaces proline, which is neutral and non-polar, with leucine, which is neutral and non-polar, at codon 1157 of the POLE protein (p.Pro1157Leu). This variant is present in population databases (rs746586877, gnomAD 0.003%). This variant has not been reported in the literature in individuals affected with POLE-related conditions. ClinVar contains an entry for this variant (Variation ID: 1024284). Invitae Evidence Modeling of protein sequence and biophysical properties (such as structural, functional, and spatial information, amino acid conservation, physicochemical variation, residue mobility, and thermodynamic stability) indicates that this missense variant is expected to disrupt POLE protein function with a positive predictive value of 80%. In summary, the available evidence is currently insufficient to determine the role of this variant in disease. Therefore, it has been classified as a Variant of Uncertain Significance.